The following is an entry in ClinVar:

NM_001256789.3(CACNA1F):c.1532G>A (p.Cys511Tyr)

Gene: CACNA1F (calcium voltage-gated channel subunit alpha1 F; minus strand). Cytogenetic location: Xp11.23.
Variant type: single nucleotide variant.
Coding change: c.1532G>A on transcript NM_001256789.3 (MANE Select); coding-DNA position 1532, G replaced by A.
Protein change: p.Cys511Tyr; replaces cysteine 511 with tyrosine.
Molecular consequence: missense variant.
Genome position (GRCh38, 1-based): chrX:49,226,028, C>T on the plus strand (G>A on the coding strand, the complement: CACNA1F is on the minus strand). VCF-style: chrX-49226028-C-T. GRCh37 (hg19) VCF-style: chrX-49082490-C-T.
Other names: c.1370G>A, p.Cys457Tyr (NM_001256790.3); c.1565G>A, p.Cys522Tyr (NM_005183.4); short protein forms C522Y, C457Y, C511Y.
Identifiers: ClinVar variation 1918725 (VCV001918725.5), dbSNP rs782673687, ClinGen allele CA10410831.
Genomic context (GRCh38, chrX:49,226,028, plus strand): 5'-TTGAGGAAGACGAGCAACAGCACAGCCCAGTAGCAGGCATTGGACTTCACTGCCCGACGG[C>T]AGCGTGCCCGAAGGACCCGGTTGGCTCGGCGGAGGCGGCGGCTGGGGGAAGGGGAGCCCA-3'
Protein context (NP_001243718.1, residues 501-521): RRANRVLRAR[Cys511Tyr]RRAVKSNACY

ClinVar aggregate classification (germline): Uncertain significance (1 of 4 stars; one submission).

Allele frequency attached by ClinVar (database versions not stated): gnomAD 0.00001; TOPMed 0.00001; gnomAD exomes 0.00003; ExAC 0.00004.

Submission:

Labcorp Genetics (formerly Invitae), Labcorp
Classification: Uncertain significance. Last evaluated: 2022-06-29. Review status: criteria provided, single submitter. Criteria: Invitae Variant Classification Sherloc (09022015). Collection method: clinical testing. Allele origin: germline.
Comment: In summary, the available evidence is currently insufficient to determine the role of this variant in disease. Therefore, it has been classified as a Variant of Uncertain Significance. Algorithms developed to predict the effect of missense changes on protein structure and function are either unavailable or do not agree on the potential impact of this missense change (SIFT: "Deleterious"; PolyPhen-2: "Probably Damaging"; Align-GVGD: "Class C0"). This variant has not been reported in the literature in individuals affected with CACNA1F-related conditions. The frequency data for this variant in the population databases is considered unreliable, as metrics indicate poor data quality at this position in the gnomAD database. This sequence change replaces cysteine, which is neutral and slightly polar, with tyrosine, which is neutral and polar, at codon 522 of the CACNA1F protein (p.Cys522Tyr).